The following is an entry in ClinVar:

ClinVar aggregate classification (germline): Benign (1 of 4 stars; one submission).

gnomAD v4.1: 796,136 of 1,601,996 alleles (50%); highest among the groups gnomAD compares: Non-Finnish European, 53%; 201,997 homozygotes.

Submission:

CeGaT Center for Human Genetics Tuebingen
Classification: Benign. Last evaluated: 2024-10-01. Review status: criteria provided, single submitter. Criteria: CeGaT Center For Human Genetics Tuebingen Variant Classification Criteria Version 2. Collection method: clinical testing. Allele origin: germline. Affected: yes. Observed: 1 variant allele.
Comment: ROS1: BP4, BS1, BS2

NM_001378902.1(ROS1):c.3840-5T>C

Gene: ROS1 (ROS proto-oncogene 1, receptor tyrosine kinase; minus strand). Cytogenetic location: 6q22.1.
Variant type: single nucleotide variant.
Coding change: c.3840-5T>C on transcript NM_001378902.1 (MANE Select); 5 bases into the intron before coding-DNA position 3840, T replaced by C.
Molecular consequence: intron variant.
Genome position (GRCh38, 1-based): chr6:117,356,920, A>G on the plus strand (T>C on the coding strand, the complement: ROS1 is on the minus strand). VCF-style: chr6-117356920-A-G. GRCh37 (hg19) VCF-style: chr6-117678083-A-G.
Other names: c.3855-5T>C (NM_002944.3); c.3843-5T>C (NM_001378891.1).
Identifiers: ClinVar variation 3387835 (VCV003387835.14).